The following is an entry in ClinVar:

NM_000095.3(COMP):c.806A>C (p.Asp269Ala)

Gene: COMP (cartilage oligomeric matrix protein; minus strand). Cytogenetic location: 19p13.11.
Variant type: single nucleotide variant.
Coding change: c.806A>C on transcript NM_000095.3 (MANE Select); coding-DNA position 806, A replaced by C.
Protein change: p.Asp269Ala; replaces aspartic acid 269 with alanine.
Molecular consequence: missense variant.
Genome position (GRCh38, 1-based): chr19:18,788,471, T>G on the plus strand (A>C on the coding strand, the complement: COMP is on the minus strand). VCF-style: chr19-18788471-T-G. GRCh37 (hg19) VCF-style: chr19-18899280-T-G.
Other names: short protein forms D269A.
Identifiers: ClinVar variation 1486948 (VCV001486948.8), dbSNP rs2145903433, ClinGen allele CA404892785.
Genomic context (GRCh38, chr19:18,788,471, plus strand): 5'-TTACGGCACTGGCGCTCCGGGCAGCGCAGCTTCTCGTCCGGGAAGCCGTCTAGGTCAGTG[T>G]CGCGACCACAGAGGATCCCGTTGCCGGCCCAGCCAACGGCACACTGTGGGAGAGTGTAAG-3'
Protein context (NP_000086.2, residues 259-279): WAGNGILCGR[Asp269Ala]TDLDGFPDEK

ClinVar aggregate classification (germline): Likely pathogenic (1 of 4 stars; one submission).

Submission:

Labcorp Genetics (formerly Invitae), Labcorp
Classification: Likely pathogenic. Last evaluated: 2022-08-22. Review status: criteria provided, single submitter. Criteria: Invitae Variant Classification Sherloc (09022015). Collection method: clinical testing. Allele origin: germline.
Comment: In summary, the currently available evidence indicates that the variant is pathogenic, but additional data are needed to prove that conclusively. Therefore, this variant has been classified as Likely Pathogenic. This variant disrupts the p.Asp269 amino acid residue in COMP. Other variant(s) that disrupt this residue have been determined to be pathogenic (PMID: 24595329, 28044000). This suggests that this residue is clinically significant, and that variants that disrupt this residue are likely to be disease-causing. Advanced modeling of protein sequence and biophysical properties (such as structural, functional, and spatial information, amino acid conservation, physicochemical variation, residue mobility, and thermodynamic stability) performed at Invitae indicates that this missense variant is expected to disrupt COMP protein function. ClinVar contains an entry for this variant (Variation ID: 1486948). This missense change has been observed in individual(s) with multiple epiphyseal dysplasia (Invitae). This variant is not present in population databases (gnomAD no frequency). This sequence change replaces aspartic acid, which is acidic and polar, with alanine, which is neutral and non-polar, at codon 269 of the COMP protein (p.Asp269Ala).

Literature cited by the submitters: PubMed 24595329; PubMed 28044000.